The following is an entry in ClinVar:

ClinVar aggregate classification (germline): Likely pathogenic (1 of 4 stars; one submission).

Conditions:
Neurologic, endocrine, and pancreatic disease, multisystem, infantile-onset 1 (IMNEPD1). Identifiers: Orphanet 456312, MedGen C4015728, MONDO:8000012, OMIM 616263.

gnomAD v4.1: 1 of 1,614,150 alleles (0.000062%); highest among the groups gnomAD compares: Non-Finnish European, 0.000085%; no homozygotes.

Submission:

Kariminejad - Najmabadi Pathology & Genetics Center
Classification: Likely pathogenic for Neurologic, endocrine, and pancreatic disease, multisystem, infantile-onset 1. Last evaluated: 2021-06-28. Review status: criteria provided, single submitter. Criteria: ACMG Guidelines, 2015. Collection method: clinical testing. Allele origin: germline. Inheritance: Autosomal recessive inheritance. Affected: yes.
Comment: PVS1_Strong, PM2

NM_016077.5(PTRH2):c.92G>A (p.Trp31Ter)

Gene: PTRH2 (peptidyl-tRNA hydrolase 2; minus strand). Cytogenetic location: 17q23.1.
Variant type: single nucleotide variant.
Coding change: c.92G>A on transcript NM_016077.5 (MANE Select); coding-DNA position 92, G replaced by A.
Protein change: p.Trp31Ter; replaces tryptophan 31 with a stop codon.
Molecular consequence: nonsense.
Genome position (GRCh38, 1-based): chr17:59,697,887, C>T on the plus strand (G>A on the coding strand, the complement: PTRH2 is on the minus strand). VCF-style: chr17-59697887-C-T. GRCh37 (hg19) VCF-style: chr17-57775248-C-T.
Other names: c.95G>A, p.Trp32Ter (NM_001015509.3); short protein forms W31*, W32*.
Identifiers: ClinVar variation 3896966 (VCV003896966.1).
Genomic context (GRCh38, chr17:59,697,887, plus strand): 5'-TCTGTGTGTGTCTTGCTCGTCTTGCTTTTGGGGAGCATCCCAAAGCATACTCGAAGGCTC[C>T]AGCCCAGGCACATGCCACAAGCAACTCCAACAGCCAAGCCGAGTGTACTGGGATGAGCCA-3'